The following is an entry in ClinVar:

NM_001134407.3(GRIN2A):c.2278G>A (p.Gly760Ser)

Gene: GRIN2A (glutamate ionotropic receptor NMDA type subunit 2A; minus strand). Cytogenetic location: 16p13.2.
Variant type: single nucleotide variant.
Coding change: c.2278G>A on transcript NM_001134407.3 (MANE Select); coding-DNA position 2278, G replaced by A.
Protein change: p.Gly760Ser; replaces glycine 760 with serine.
Molecular consequence: missense variant.
Genome position (GRCh38, 1-based): chr16:9,798,355, C>T on the plus strand (G>A on the coding strand, the complement: GRIN2A is on the minus strand). VCF-style: chr16-9798355-C-T. GRCh37 (hg19) VCF-style: chr16-9892212-C-T.
Other names: c.2278G>A (NM_000833.3); c.2278G>A, p.Gly760Ser (NM_000833.5, NM_001134408.2); short protein forms G760S.
Identifiers: ClinVar variation 464051 (VCV000464051.15), dbSNP rs1555488119, ClinGen allele CA394797109.
Genomic context (GRCh38, chr16:9,798,355, plus strand): 5'-GCAAGGCCAGGTCGATCTGCCTCTTCCAAGGAGAGCCTTTCTGAAGGGCAATTCCATAAC[C>T]GGTGGTGGCAAAGATGTACCCACTCCCGATGGTCACCAGCTTGCAGCCTTCATCCCTCCC-3'
Protein context (NP_001127879.1, residues 750-770): IGSGYIFATT[Gly760Ser]YGIALQKGSP

ClinVar aggregate classification (germline): Pathogenic/Likely pathogenic. Review status: criteria provided, multiple submitters, no conflicts (2 of 4 stars). 4 submissions from 4 submitters: Pathogenic (2); Likely pathogenic (2). Last evaluated 2024-08-20.

Conditions:
Landau-Kleffner syndrome (FESD). Also called: EPILEPSY, FOCAL, WITH SPEECH DISORDER AND WITH OR WITHOUT MENTAL RETARDATION; APHASIA, ACQUIRED, WITH EPILEPSY. Identifiers: Orphanet 1945, Orphanet 725, Orphanet 98818, MedGen C0282512, MONDO:0009509, OMIM 245570.

Submissions (4):

Centre of Medical Genetics, University Hospital Muenster
Classification: Likely pathogenic. Last evaluated: 2024-08-20. Review status: criteria provided, single submitter. Criteria: ACMG Guidelines, 2015. Collection method: clinical testing. Allele origin: unknown. Affected: yes. Observed: 1 variant allele, 1 heterozygote.
Comment: ACMG categories: PM2,PM1,PP3,PP2

Labcorp Genetics (formerly Invitae), Labcorp
Classification: Pathogenic for Landau-Kleffner syndrome. Last evaluated: 2023-03-10. Review status: criteria provided, single submitter. Criteria: Invitae Variant Classification Sherloc (09022015). Collection method: clinical testing. Allele origin: germline.
Comment: Advanced modeling of protein sequence and biophysical properties (such as structural, functional, and spatial information, amino acid conservation, physicochemical variation, residue mobility, and thermodynamic stability) performed at Invitae indicates that this missense variant is expected to disrupt GRIN2A protein function. For these reasons, this variant has been classified as Pathogenic. ClinVar contains an entry for this variant (Variation ID: 464051). This sequence change replaces glycine, which is neutral and non-polar, with serine, which is neutral and polar, at codon 760 of the GRIN2A protein (p.Gly760Ser). This variant is not present in population databases (gnomAD no frequency). This missense change has been observed in individual(s) with Landau-Kleffner syndrome (PMID: 29056244). In at least one individual the variant was observed to be de novo.

GeneDx
Classification: Pathogenic. Last evaluated: 2022-12-13. Review status: criteria provided, single submitter. Criteria: GeneDx Variant Classification Process June 2021. Collection method: clinical testing. Allele origin: germline. Affected: yes.
Comment: Not observed at significant frequency in large population cohorts (gnomAD); In silico analysis supports that this missense variant has a deleterious effect on protein structure/function; This variant is associated with the following publications: (PMID: 27839871, 29896722, 29056244, 34726335)

Institute of Human Genetics, University of Leipzig Medical Center
Classification: Likely pathogenic for Landau-Kleffner syndrome. Last evaluated: 2019-01-01. Review status: criteria provided, single submitter. Criteria: ACMG Guidelines, 2015. Collection method: research. Allele origin: de novo. Affected: yes.

Literature cited by the submitters: PubMed 29056244 (cited by Labcorp Genetics (formerly Invitae), Labcorp); PubMed 30544257 (cited by Institute of Human Genetics, University of Leipzig Medical Center).